The following is an entry in ClinVar:

ClinVar aggregate classification (germline): Uncertain significance (1 of 4 stars; one submission).

Conditions:
Familial thoracic aortic aneurysm and aortic dissection (TAAD). Also called: Thoracic aortic aneurysms and dissections. Identifiers: Orphanet 91387, MedGen C4707243, MONDO:0019625.

Submission:

Ambry Genetics
Classification: Uncertain significance for Familial thoracic aortic aneurysm and aortic dissection. Last evaluated: 2024-05-02. Review status: criteria provided, single submitter. Criteria: Ambry Variant Classification Scheme 2023. Collection method: clinical testing. Allele origin: germline.
Comment: The p.S1402T variant (also known as c.4205G>C), located in coding exon 30 of the MED12 gene, results from a G to C substitution at nucleotide position 4205. The serine at codon 1402 is replaced by threonine, an amino acid with similar properties. This amino acid position is conserved. In addition, this alteration is predicted to be tolerated by in silico analysis. Based on the available evidence, the clinical significance of this variant remains unclear.

NM_005120.3(MED12):c.4205G>C (p.Ser1402Thr)

Gene: MED12 (mediator complex subunit 12; plus strand). Cytogenetic location: Xq13.1.
Variant type: single nucleotide variant.
Coding change: c.4205G>C on transcript NM_005120.3 (MANE Select); coding-DNA position 4205, G replaced by C.
Protein change: p.Ser1402Thr; replaces serine 1402 with threonine.
Molecular consequence: missense variant.
Genome position (GRCh38, 1-based): chrX:71,132,158, G>C. VCF-style: chrX-71132158-G-C. GRCh37 (hg19) VCF-style: chrX-70352008-G-C.
Other names: short protein forms S1402T.
Identifiers: ClinVar variation 3293967 (VCV003293967.1).